The following is an entry in ClinVar:

NM_201384.3(PLEC):c.7026G>T (p.Gln2342His)

Gene: PLEC (plectin; minus strand). Cytogenetic location: 8q24.3.
Variant type: single nucleotide variant.
Coding change: c.7026G>T on transcript NM_201384.3 (MANE Select); coding-DNA position 7026, G replaced by T.
Protein change: p.Gln2342His; replaces glutamine 2342 with histidine.
Molecular consequence: missense variant.
Genome position (GRCh38, 1-based): chr8:143,922,903, C>A on the plus strand (G>T on the coding strand, the complement: PLEC is on the minus strand). VCF-style: chr8-143922903-C-A. GRCh37 (hg19) VCF-style: chr8-144997071-C-A.
Other names: c.7107G>T, p.Gln2369His (NM_000445.5); c.6984G>T, p.Gln2328His (NM_201378.4); c.6960G>T, p.Gln2320His (NM_201379.3); c.7437G>T, p.Gln2479His (NM_201380.4); c.6930G>T, p.Gln2310His (NM_201381.3); c.7026G>T, p.Gln2342His (NM_201382.4); c.7038G>T, p.Gln2346His (NM_201383.3); short protein forms Q2328H, Q2342H, Q2320H, Q2369H, Q2310H, Q2346H, Q2479H.
Identifiers: ClinVar variation 855011 (VCV000855011.10), dbSNP rs1823384419, ClinGen allele CA372530459.

ClinVar aggregate classification (germline): Uncertain significance (1 of 4 stars; one submission).

Conditions:
Epidermolysis bullosa simplex 5B, with muscular dystrophy (EBS5B). Also called: Epidermolysis bullosa simplex with muscular dystrophy; EPIDERMOLYSIS BULLOSA SIMPLEX AND LIMB-GIRDLE MUSCULAR DYSTROPHY. Identifiers: Orphanet 257, MedGen C2931072, MONDO:0009181, OMIM 226670.
Epidermolysis bullosa simplex 5C, with pyloric atresia (EBS5C). Also called: PLEC1-Related Epidermolysis Bullosa with Pyloric Atresia; Epidermolysis bullosa simplex with pyloric atresia; PLEC-Related Epidermolysis Bullosa with Pyloric Atresia. Identifiers: Orphanet 158684, MedGen C2677349, MONDO:0012807, OMIM 612138.
Epidermolysis bullosa simplex, Ogna type (EBS5A). Also called: Pidermolysis bullosa simplex 5A, Ogna type; EPIDERMOLYSIS BULLOSA SIMPLEX 5A, OGNA TYPE. Identifiers: Orphanet 79401, MedGen C0432317, MONDO:0007555, OMIM 131950.
Autosomal recessive limb-girdle muscular dystrophy type 2Q (LGMDR17). Also called: MUSCULAR DYSTROPHY, LIMB-GIRDLE, AUTOSOMAL RECESSIVE 17. Identifiers: Orphanet 254361, MedGen C3150989, MONDO:0013390, OMIM 613723.
Epidermolysis bullosa simplex with nail dystrophy (EBS5D). Identifiers: MedGen C4225309, MONDO:0014661, OMIM 616487.

Submission:

Labcorp Genetics (formerly Invitae), Labcorp
Classification: Uncertain significance for Autosomal recessive limb-girdle muscular dystrophy type 2Q; Epidermolysis bullosa simplex, Ogna type; Epidermolysis bullosa simplex with nail dystrophy; Epidermolysis bullosa simplex 5C, with pyloric atresia; Epidermolysis bullosa simplex 5B, with muscular dystrophy. Last evaluated: 2022-09-07. Review status: criteria provided, single submitter. Criteria: Invitae Variant Classification Sherloc (09022015). Collection method: clinical testing. Allele origin: germline.
Comment: In summary, the available evidence is currently insufficient to determine the role of this variant in disease. Therefore, it has been classified as a Variant of Uncertain Significance. Algorithms developed to predict the effect of missense changes on protein structure and function output the following: SIFT: "Deleterious"; PolyPhen-2: "Benign"; Align-GVGD: "Class C0". The histidine amino acid residue is found in multiple mammalian species, which suggests that this missense change does not adversely affect protein function. ClinVar contains an entry for this variant (Variation ID: 855011). This variant has not been reported in the literature in individuals affected with PLEC-related conditions. This variant is not present in population databases (gnomAD no frequency). This sequence change replaces glutamine, which is neutral and polar, with histidine, which is basic and polar, at codon 2369 of the PLEC protein (p.Gln2369His).